The following is an entry in ClinVar:

ClinVar aggregate classification (germline): Uncertain significance. Review status: criteria provided, multiple submitters, no conflicts (2 of 4 stars). 3 submissions from 3 submitters: Uncertain significance (3). Last evaluated 2025-12-21.

Conditions:
Hereditary cancer-predisposing syndrome. Also called: Tumor predisposition; Hereditary Cancer Syndrome; Hereditary neoplastic syndrome; Neoplastic Syndromes, Hereditary. Identifiers: Orphanet 140162, MedGen C0027672, MeSH D009386, MONDO:0015356.
Familial cancer of breast. Also called: BREAST CANCER, FAMILIAL; Hereditary breast cancer; hereditary breast carcinoma. Identifiers: Orphanet 227535, MedGen C0346153, MONDO:0016419, OMIM 114480. Disease mechanism: loss of function.

Submissions (3):

Labcorp Genetics (formerly Invitae), Labcorp
Classification: Uncertain significance for Familial cancer of breast. Last evaluated: 2025-12-21. Review status: criteria provided, single submitter. Criteria: Invitae Variant Classification Sherloc (09022015). Collection method: clinical testing. Allele origin: germline.
Comment: This sequence change replaces arginine, which is basic and polar, with serine, which is neutral and polar, at codon 541 of the PALB2 protein (p.Arg541Ser). This variant is not present in population databases (gnomAD no frequency). This variant has not been reported in the literature in individuals affected with PALB2-related conditions. ClinVar contains an entry for this variant (Variation ID: 410101). Invitae Evidence Modeling of protein sequence and biophysical properties (such as structural, functional, and spatial information, amino acid conservation, physicochemical variation, residue mobility, and thermodynamic stability) indicates that this missense variant is not expected to disrupt PALB2 protein function with a negative predictive value of 80%. In summary, the available evidence is currently insufficient to determine the role of this variant in disease. Therefore, it has been classified as a Variant of Uncertain Significance.

Ambry Genetics
Classification: Uncertain significance for Hereditary cancer-predisposing syndrome. Last evaluated: 2024-09-30. Review status: criteria provided, single submitter. Criteria: Ambry Variant Classification Scheme 2023. Collection method: clinical testing. Allele origin: germline.
Comment: The p.R541S variant (also known as c.1623G>T), located in coding exon 4 of the PALB2 gene, results from a G to T substitution at nucleotide position 1623. The arginine at codon 541 is replaced by serine, an amino acid with dissimilar properties. This amino acid position is not well conserved in available vertebrate species. In addition, this alteration is predicted to be tolerated by in silico analysis. Since supporting evidence is limited at this time, the clinical significance of this alteration remains unclear.

Color Diagnostics, LLC DBA Color Health
Classification: Uncertain significance for Hereditary cancer-predisposing syndrome. Last evaluated: 2019-02-09. Review status: criteria provided, single submitter. Criteria: ACMG Guidelines, 2015. Collection method: clinical testing. Allele origin: germline.

NM_024675.4(PALB2):c.1623G>T (p.Arg541Ser)

Gene: PALB2 (partner and localizer of BRCA2; minus strand). Cytogenetic location: 16p12.2.
Variant type: single nucleotide variant.
Coding change: c.1623G>T on transcript NM_024675.4 (MANE Select); coding-DNA position 1623, G replaced by T.
Protein change: p.Arg541Ser; replaces arginine 541 with serine.
Molecular consequence: missense variant.
Genome position (GRCh38, 1-based): chr16:23,634,923, C>A on the plus strand (G>T on the coding strand, the complement: PALB2 is on the minus strand). VCF-style: chr16-23634923-C-A. GRCh37 (hg19) VCF-style: chr16-23646244-C-A.
Other names: short protein forms R541S.
Identifiers: ClinVar variation 410101 (VCV000410101.16), dbSNP rs745665968, ClinGen allele CA16614889.
Genomic context (GRCh38, chr16:23,634,923, plus strand): 5'-TTTCACTTGAATAAATAATTTTTCGTGCTGATATTTGTGTGAGGTGACTTCTTCCTTGGA[C>A]CTGTTAACAATCGACAGGCTAGAAGTTGGCAAAAGTGGTTCACAATGATCTGATGCTGGG-3'
Protein context (NP_078951.2, residues 531-551): LPTSSLSIVN[Arg541Ser]SKEEVTSHKY